The following is an entry in ClinVar:

NM_001042492.3(NF1):c.567A>C (p.Lys189Asn)

Gene: NF1 (neurofibromin 1; plus strand). Cytogenetic location: 17q11.2.
Variant type: single nucleotide variant.
Coding change: c.567A>C on transcript NM_001042492.3 (MANE Select); coding-DNA position 567, A replaced by C.
Protein change: p.Lys189Asn; replaces lysine 189 with asparagine.
Molecular consequence: missense variant.
Genome position (GRCh38, 1-based): chr17:31,169,978, A>C. VCF-style: chr17-31169978-A-C. GRCh37 (hg19) VCF-style: chr17-29496996-A-C.
Other names: c.567A>C, p.Lys189Asn (NM_000267.4, NM_001128147.3); short protein forms K189N.
Identifiers: ClinVar variation 3237840 (VCV003237840.1), dbSNP rs1567820796.
Genomic context (GRCh38, chr17:31,169,978, plus strand): 5'-AGACAATGTTGATGTTCATGATATAGAATTGTTACAGTATATCAATGTGGATTGTGCAAA[A>C]TTAAAACGACTCCTGAAGGGTAAGTTTAAATGTATAATATATCTGAAAAAAATCACTGGG-3'
Protein context (NP_001035957.1, residues 179-199): LLQYINVDCA[Lys189Asn]LKRLLKETAF

ClinVar aggregate classification (germline): Uncertain significance (1 of 4 stars; one submission).

Conditions:
Hereditary cancer-predisposing syndrome. Also called: Neoplastic Syndromes, Hereditary; Tumor predisposition; Hereditary neoplastic syndrome; Hereditary Cancer Syndrome. Identifiers: Orphanet 140162, MedGen C0027672, MeSH D009386, MONDO:0015356.
Cardiovascular phenotype. Identifiers: MedGen CN230736.

Submission:

Ambry Genetics
Classification: Uncertain significance for Cardiovascular phenotype; Hereditary cancer-predisposing syndrome. Last evaluated: 2023-07-23. Review status: criteria provided, single submitter. Criteria: Ambry Variant Classification Scheme 2023. Collection method: clinical testing. Allele origin: germline.
Comment: The p.K189N variant (also known as c.567A>C), located in coding exon 5 of the NF1 gene, results from an A to C substitution at nucleotide position 567. The lysine at codon 189 is replaced by asparagine, an amino acid with similar properties. This amino acid position is conserved. In addition, the in silico prediction for this alteration is inconclusive. Since supporting evidence is limited at this time, the clinical significance of this alteration remains unclear.